The following is an entry in ClinVar:

ClinVar aggregate classification (germline): Pathogenic/Likely pathogenic. Review status: criteria provided, multiple submitters, no conflicts (2 of 4 stars). 4 submissions from 4 submitters: Pathogenic (1); Likely pathogenic (2). 1 of the submissions does not count toward it. Last evaluated 2024-07-30.

Conditions:
Fanconi anemia (FA). Also called: Fanconi's anemia. Identifiers: Orphanet 84, MedGen C0015625, MeSH D005199, MONDO:0019391.
Fanconi anemia complementation group A (FANCA). Also called: FANCA-Related Fanconi Anemia; Fanconi anemia, group A. Identifiers: Orphanet 84, MedGen C3469521, MONDO:0009215, OMIM 227650.

Allele frequency attached by ClinVar (database versions not stated): gnomAD exomes below 0.00001; TOPMed below 0.00001; gnomAD 0.00001.
gnomAD v4.1: 6 of 1,614,138 alleles (0.00037%); highest among the groups gnomAD compares: Non-Finnish European, 0.00051%; no homozygotes.

Submissions (4):

Natera, Inc.
Classification: Likely pathogenic for Fanconi anemia. Last evaluated: 2024-07-30. Review status: criteria provided, single submitter. Criteria: Natera Variant Classification Schema (03/2026). Collection method: clinical testing. Allele origin: germline.
Comment: The c.4247C>G variant in FANCA is a nonsense variant predicted to introduce a stop codon at amino acid 1416. This variant is expected to result in nonsense mediated decay, truncation, or a dysfunctional protein product. This variant is rare in the general population with a frequency below the threshold expected for the associated phenotype(s). Given the available evidence, this variant is classified as Likely Pathogenic.

Labcorp Genetics (formerly Invitae), Labcorp
Classification: Pathogenic for Fanconi anemia. Last evaluated: 2024-07-01. Review status: criteria provided, single submitter. Criteria: Invitae Variant Classification Sherloc (09022015). Collection method: clinical testing. Allele origin: germline.
Comment: This sequence change creates a premature translational stop signal (p.Ser1416*) in the FANCA gene. While this is not anticipated to result in nonsense mediated decay, it is expected to disrupt the last 40 amino acid(s) of the FANCA protein. This variant is present in population databases (no rsID available, gnomAD 0.0009%). This variant has not been reported in the literature in individuals affected with FANCA-related conditions. ClinVar contains an entry for this variant (Variation ID: 550725). This variant disrupts a region of the FANCA protein in which other variant(s) (p.Asp1427Thrfs*6) have been determined to be pathogenic (PMID: 11091222). This suggests that this is a clinically significant region of the protein, and that variants that disrupt it are likely to be disease-causing. For these reasons, this variant has been classified as Pathogenic.

Baylor Genetics
Classification: Likely pathogenic for Fanconi anemia complementation group A. Last evaluated: 2023-10-20. Review status: criteria provided, single submitter. Criteria: ACMG Guidelines, 2015. Collection method: clinical testing. Allele origin: unknown.

Counsyl
Classification: Likely pathogenic for Fanconi anemia complementation group A. Last evaluated: 2017-02-09. Review status: no assertion criteria provided. Collection method: clinical testing. Allele origin: unknown. Not counted in ClinVar's aggregate classification.

Literature cited by the submitters: PubMed 11091222 (cited by Labcorp Genetics (formerly Invitae), Labcorp).

NM_000135.4(FANCA):c.4247C>G (p.Ser1416Ter)

Genes: ZNF276 (zinc finger protein 276; plus strand), FANCA (FA complementation group A; minus strand). Cytogenetic location: 16q24.3.
Variant type: single nucleotide variant.
Coding change: c.4247C>G on transcript NM_000135.4 (MANE Select); coding-DNA position 4247, C replaced by G.
Protein change: p.Ser1416Ter; replaces serine 1416 with a stop codon.
Molecular consequence: nonsense. On other transcripts: synonymous variant (1), 3 prime UTR variant (2), non-coding transcript variant (4).
Genome position (GRCh38, 1-based): chr16:89,738,895, G>C on the plus strand (C>G on the coding strand, the complement: FANCA is on the minus strand). VCF-style: chr16-89738895-G-C. GRCh37 (hg19) VCF-style: chr16-89805303-G-C.
Other names: c.4251C>G, p.Leu1417= (NM_001286167.3); c.*649G>C (NM_001113525.2, NM_152287.4); c.4247C>G (NM_000135.3); short protein forms S1416*.
Identifiers: ClinVar variation 550725 (VCV000550725.13), dbSNP rs940187828, ClinGen allele CA286614275.